The following is an entry in ClinVar:

NM_001009999.3(KDM1A):c.1414-3T>C

Gene: KDM1A (lysine demethylase 1A; plus strand). Cytogenetic location: 1p36.12.
Variant type: single nucleotide variant.
Coding change: c.1414-3T>C on transcript NM_001009999.3 (MANE Select); 3 bases into the intron before coding-DNA position 1414, T replaced by C.
Molecular consequence: intron variant.
Genome position (GRCh38, 1-based): chr1:23,071,222, T>C. VCF-style: chr1-23071222-T-C. GRCh37 (hg19) VCF-style: chr1-23397715-T-C.
Other names: c.1402-3T>C (NM_001410762.1); c.1342-3T>C (NM_001363654.2, NM_001410763.1, NM_015013.4).
Identifiers: ClinVar variation 3679472 (VCV003679472.2).

ClinVar aggregate classification (germline): Uncertain significance (1 of 4 stars; one submission).

gnomAD v4.1: 12 of 1,596,624 alleles (0.00075%); highest among the groups gnomAD compares: African/African-American, 0.0014%; no homozygotes.

Submission:

Labcorp Genetics (formerly Invitae), Labcorp
Classification: Uncertain significance. Last evaluated: 2024-10-17. Review status: criteria provided, single submitter. Criteria: Invitae Variant Classification Sherloc (09022015). Collection method: clinical testing. Allele origin: germline.
Comment: This sequence change falls in intron 12 of the KDM1A gene. It does not directly change the encoded amino acid sequence of the KDM1A protein. It affects a nucleotide within the consensus splice site. This variant is not present in population databases (gnomAD no frequency). This variant has not been reported in the literature in individuals affected with KDM1A-related conditions. Variants that disrupt the consensus splice site are a relatively common cause of aberrant splicing (PMID: 17576681, 9536098). Algorithms developed to predict the effect of sequence changes on RNA splicing suggest that this variant is not likely to affect RNA splicing. In summary, the available evidence is currently insufficient to determine the role of this variant in disease. Therefore, it has been classified as a Variant of Uncertain Significance.

Literature cited by the submitters: PubMed 17576681; PubMed 9536098.